The following is an entry in ClinVar:

ClinVar aggregate classification (germline): Benign. Review status: reviewed by expert panel (3 of 4 stars). 16 submissions from 16 submitters: Benign (1). 15 of the submissions do not count toward it. Last evaluated 2017-06-29.

Conditions:
Hereditary cancer-predisposing syndrome. Also called: Hereditary Cancer Syndrome; Tumor predisposition; Neoplastic Syndromes, Hereditary; Hereditary neoplastic syndrome. Identifiers: Orphanet 140162, MedGen C0027672, MeSH D009386, MONDO:0015356.
Hereditary breast ovarian cancer syndrome. Also called: Breast and ovarian cancer; BRCA1- and BRCA2-Associated Hereditary Breast and Ovarian Cancer; Hereditary breast and ovarian cancer; Hereditary breast and ovarian cancer syndrome (HBOC); Hereditary breast and ovarian cancer syndrome; Hereditary breast and/or ovarian cancer syndrome. Identifiers: Orphanet 145, MedGen C0677776, MeSH D061325, MONDO:0003582. Disease mechanism: loss of function.
Breast-ovarian cancer, familial, susceptibility to, 2 (BROVCA2). Also called: BRCA2 Hereditary Breast and Ovarian Cancer. Identifiers: Orphanet 145, MedGen C2675520, MONDO:0012933, OMIM 612555. Disease mechanism: loss of function.
Familial cancer of breast. Also called: BREAST CANCER, FAMILIAL; hereditary breast carcinoma; Hereditary breast cancer. Identifiers: Orphanet 227535, MedGen C0346153, MONDO:0016419, OMIM 114480. Disease mechanism: loss of function.

Allele frequency attached by ClinVar (database versions not stated): gnomAD exomes 0.00012 and 0.00003; ExAC 0.00016; gnomAD 0.00046 and 0.00047; TOPMed 0.00065; 1000 Genomes Project 0.00140; 1000 Genomes Project 30x 0.00172.
gnomAD v4.1: 117 of 1,614,082 alleles (0.0072%); highest among the groups gnomAD compares: African/African-American, 0.11%; no homozygotes.

Submissions (16):

Evidence-based Network for the Interpretation of Germline Mutant Alleles (ENIGMA)
Classification: Benign for Breast-ovarian cancer, familial, susceptibility to, 2. Last evaluated: 2017-06-29. Review status: reviewed by expert panel. Criteria: ENIGMA BRCA1/2 Classification Criteria (2017-06-29). Collection method: curation. Allele origin: germline.
Comment: Synonymous substitution variant, with low bioinformatic likelihood to alter mRNA splicing (splicing prior 0.02) and frequency 0.0019 (African), derived from ExAC (2014-12-17).

Labcorp Genetics (formerly Invitae), Labcorp
Classification: Benign for Hereditary breast ovarian cancer syndrome. Last evaluated: 2026-02-02. Review status: criteria provided, single submitter. Criteria: Invitae Variant Classification Sherloc (09022015). Collection method: clinical testing. Allele origin: germline. Not counted in ClinVar's aggregate classification.

CeGaT Center for Human Genetics Tuebingen
Classification: Likely benign. Last evaluated: 2025-08-01. Review status: criteria provided, single submitter. Criteria: CeGaT Center For Human Genetics Tuebingen Variant Classification Criteria Version 2. Collection method: clinical testing. Allele origin: germline. Affected: yes. Observed: 1 variant allele. Not counted in ClinVar's aggregate classification.
Comment: BRCA2: BP4, BP7

ARUP Laboratories, Molecular Genetics and Genomics, ARUP Laboratories
Classification: Likely benign. Last evaluated: 2025-06-04. Review status: criteria provided, single submitter. Criteria: ARUP Molecular Germline Variant Investigation Process 2024. Collection method: clinical testing. Allele origin: germline. Not counted in ClinVar's aggregate classification.

Blueprint Genetics
Classification: Likely benign. Last evaluated: 2024-04-22. Review status: criteria provided, single submitter. Criteria: ACMG Guidelines, 2015. Collection method: clinical testing. Allele origin: germline. Not counted in ClinVar's aggregate classification.

Sema4
Classification: Likely benign for Hereditary cancer-predisposing syndrome. Last evaluated: 2021-03-19. Review status: criteria provided, single submitter. Criteria: Sema4 Curation Guidelines. Collection method: curation. Allele origin: germline. Not counted in ClinVar's aggregate classification.

Genetic Services Laboratory, University of Chicago
Classification: Likely benign. Last evaluated: 2019-07-24. Review status: criteria provided, single submitter. Criteria: ACMG Guidelines, 2015. Collection method: clinical testing. Allele origin: germline. Affected: no. Not counted in ClinVar's aggregate classification.

Baylor Genetics
Classification: Benign for Familial cancer of breast. Last evaluated: 2017-02-23. Review status: criteria provided, single submitter. Criteria: ACMG Guidelines, 2015. Collection method: clinical testing. Allele origin: germline. Inheritance: Autosomal dominant inheritance. Affected: no. Not counted in ClinVar's aggregate classification.

Color Diagnostics, LLC DBA Color Health
Classification: Likely benign for Hereditary cancer-predisposing syndrome. Last evaluated: 2015-07-30. Review status: criteria provided, single submitter. Criteria: ACMG Guidelines, 2015. Collection method: clinical testing. Allele origin: germline. Not counted in ClinVar's aggregate classification.

Eurofins Ntd Llc (ga)
Classification: Likely benign. Last evaluated: 2015-01-16. Review status: criteria provided, single submitter. Criteria: EGL Classification Definitions 2015. Collection method: clinical testing. Allele origin: germline. Observed: 1 variant allele, 1 heterozygote. Not counted in ClinVar's aggregate classification.

Molecular Genetics Laboratory, University of Michigan
Classification: Benign for Breast-ovarian cancer, familial, susceptibility to, 2. Last evaluated: 2014-11-03. Review status: criteria provided, single submitter. Criteria: ACMG Guidelines, 2015. Collection method: clinical testing. Allele origin: germline. Affected: yes. Not counted in ClinVar's aggregate classification.

Ambry Genetics
Classification: Likely benign for Hereditary cancer-predisposing syndrome. Last evaluated: 2014-10-24. Review status: criteria provided, single submitter. Criteria: Ambry Variant Classification Scheme 2023. Collection method: clinical testing. Allele origin: germline. Not counted in ClinVar's aggregate classification.

GeneDx
Classification: Benign. Last evaluated: 2014-05-06. Review status: criteria provided, single submitter. Criteria: GeneDx Variant Classification (06012015). Collection method: clinical testing. Allele origin: germline. Affected: yes. Not counted in ClinVar's aggregate classification.
Comment: This variant is considered likely benign or benign based on one or more of the following criteria: it is a conservative change, it occurs at a poorly conserved position in the protein, it is predicted to be benign by multiple in silico algorithms, and/or has population frequency not consistent with disease.

Counsyl
Classification: Likely benign for Breast-ovarian cancer, familial, susceptibility to, 2. Last evaluated: 2017-02-07. Review status: no assertion criteria provided. Collection method: clinical testing. Allele origin: unknown. Not counted in ClinVar's aggregate classification.

Breast Cancer Information Core (BIC) (BRCA2)
Classification: Uncertain significance for Breast-ovarian cancer, familial 2. Last evaluated: 2003-10-29. Review status: no assertion criteria provided. Collection method: clinical testing. Allele origin: unknown. Affected: yes. Observed: 2 variant alleles. Not counted in ClinVar's aggregate classification.

Department of Pathology and Laboratory Medicine, Sinai Health System
Classification: Likely benign. Review status: no assertion criteria provided. Collection method: clinical testing. Allele origin: unknown. Affected: yes. Observed: 2 variant alleles. Study: The Canadian Open Genetics Repository (COGR). Not counted in ClinVar's aggregate classification.
Comment: The BRCA2 p.Pro3281= variant was identified in 1 of 800 proband chromosomes (frequency: 0.001) from Nigerian individuals with breast cancer, unselected for age of onset and family history (Fackenthal 2012). The variant was also identified in dbSNP (ID: rs11571832) â€šÃ„ÃºWith Uncertain significance, other alleleâ€šÃ„Ã¹, ClinVar (classified with conflicting interpretations of pathogenicity; classified as benign by GeneDx, Michigan Medical Genetics Labs (U of Michigan), Baylor Miraca Genetics Labs and Invitae; likely benign by Ambry Genetics and Emory Genetics; and uncertain significance by BIC), Clinivitae (6X), LOVD 3.0 (3X) and BIC database (1X). The variant was not identified in GeneInsight-COGR, Cosmic, MutDB, BIC Database, ARUP Laboratories, and Zhejiang Colon Cancer Database. The variant was identified in control databases in 41 of 276990 chromosomes at a frequency of 0.0001 increasing the likelihood that this may be a low frequency benign variant in certain populations of origin (Genome Aggregation Consortium Feb 27, 2017), being identified in the following populations: African in 33 of 24028 chromosomes (frequency: 0.001), Other in 1 of 6458 chromosomes (frequency: 0.0002), Latino in 6 of 34410 chromosomes (frequency: 0.0002), European Non-Finnish in 1 of 126516 chromosomes (frequency: 0.000008), . The p.Pro3281= variant is not expected to have clinical significance because it does not result in a change of amino acid and occurs outside of the splicing consensus sequence and 1 of 5 in silico or computational prediction software programs (SpliceSiteFinder, MaxEntScan, NNSPLICE, GeneSplicer, HumanSpliceFinder) predict a greater than 10% difference in splicing; this is not very predictive of pathogenicity. In summary, based on the above information the clinical significance of this variant cannot be determined with certainty at this time although we would lean towards a more benign role for this variant. This variant is classified as likely benign.

Literature cited by the submitters: PubMed 22034289 (cited by Counsyl).

NM_000059.4(BRCA2):c.9843A>G (p.Pro3281=)

Gene: BRCA2 (BRCA2 DNA repair associated; plus strand). Cytogenetic location: 13q13.1.
Variant type: single nucleotide variant.
Coding change: c.9843A>G on transcript NM_000059.4 (MANE Select); coding-DNA position 9843, A replaced by G.
Protein change: p.Pro3281=; no amino-acid change (proline 3281 retained).
Molecular consequence: synonymous variant.
Genome position (GRCh38, 1-based): chr13:32,398,356, A>G. VCF-style: chr13-32398356-A-G. GRCh37 (hg19) VCF-style: chr13-32972493-A-G.
Other names: 10071A>G; p.P3281P:CCA>CCG.
Identifiers: ClinVar variation 52908 (VCV000052908.39), dbSNP rs11571832, ClinGen allele CA026313.